The following is an entry in ClinVar:

NM_000257.4(MYH7):c.1724C>T (p.Ala575Val)

Gene: MYH7 (myosin heavy chain 7; minus strand). Cytogenetic location: 14q11.2.
Variant type: single nucleotide variant.
Coding change: c.1724C>T on transcript NM_000257.4 (MANE Select); coding-DNA position 1724, C replaced by T.
Protein change: p.Ala575Val; replaces alanine 575 with valine.
Molecular consequence: missense variant.
Genome position (GRCh38, 1-based): chr14:23,427,749, G>A on the plus strand (C>T on the coding strand, the complement: MYH7 is on the minus strand). VCF-style: chr14-23427749-G-A. GRCh37 (hg19) VCF-style: chr14-23896958-G-A.
Other names: short protein forms A575V.
Identifiers: ClinVar variation 1509015 (VCV001509015.8), dbSNP rs2138672293, ClinGen allele CA389049948.

ClinVar aggregate classification (germline): Uncertain significance (1 of 4 stars; one submission).

Conditions:
Hypertrophic cardiomyopathy. Also called: HYPERTROPHIC MYOCARDIOPATHY. Identifiers: Orphanet 217569, MedGen C0007194, MeSH D002312, MONDO:0005045, HP:0001639.

Allele frequency attached by ClinVar (database versions not stated): gnomAD exomes below 0.00001.
gnomAD v4.1: 1 of 1,614,198 alleles (0.000062%); highest among the groups gnomAD compares: South Asian, 0.0011%; no homozygotes.

Submission:

Labcorp Genetics (formerly Invitae), Labcorp
Classification: Uncertain significance for Hypertrophic cardiomyopathy. Last evaluated: 2022-11-15. Review status: criteria provided, single submitter. Criteria: Invitae Variant Classification Sherloc (09022015). Collection method: clinical testing. Allele origin: germline.
Comment: This sequence change replaces alanine, which is neutral and non-polar, with valine, which is neutral and non-polar, at codon 575 of the MYH7 protein (p.Ala575Val). This variant is not present in population databases (gnomAD no frequency). In summary, the available evidence is currently insufficient to determine the role of this variant in disease. Therefore, it has been classified as a Variant of Uncertain Significance. Advanced modeling of protein sequence and biophysical properties (such as structural, functional, and spatial information, amino acid conservation, physicochemical variation, residue mobility, and thermodynamic stability) performed at Invitae indicates that this missense variant is expected to disrupt MYH7 protein function. ClinVar contains an entry for this variant (Variation ID: 1509015). This variant has not been reported in the literature in individuals affected with MYH7-related conditions.